The following is an entry in ClinVar:

NM_006904.7(PRKDC):c.1203C>A (p.Asp401Glu)

Gene: PRKDC (protein kinase, DNA-activated, catalytic subunit; minus strand). Cytogenetic location: 8q11.21.
Variant type: single nucleotide variant.
Coding change: c.1203C>A on transcript NM_006904.7 (MANE Select); coding-DNA position 1203, C replaced by A.
Protein change: p.Asp401Glu; replaces aspartic acid 401 with glutamic acid.
Molecular consequence: missense variant.
Genome position (GRCh38, 1-based): chr8:47,936,428, G>T on the plus strand (C>A on the coding strand, the complement: PRKDC is on the minus strand). VCF-style: chr8-47936428-G-T. GRCh37 (hg19) VCF-style: chr8-48848988-G-T.
Other names: c.1203C>A, p.Asp401Glu (NM_001081640.2); short protein forms D401E.
Identifiers: ClinVar variation 3425224 (VCV003425224.1).
Genomic context (GRCh38, chr8:47,936,428, plus strand): 5'-CAAGACGCTTGCAACAGACTGGAGGAAGCTTGGCATCTGATAAACACGGTCGTCACCAGT[G>T]TCTGTCTGGGTGAGGAACATCTGCTTGCAGCGCTGAATGAGCTCAACGTACATGAAGTCA-3'
Protein context (NP_008835.5, residues 391-411): RCKQMFLTQT[Asp401Glu]TGDDRVYQMP

ClinVar aggregate classification (germline): Uncertain significance (1 of 4 stars; one submission).

Submission:

Ambry Genetics
Classification: Uncertain significance. Last evaluated: 2024-09-30. Review status: criteria provided, single submitter. Criteria: Ambry Variant Classification Scheme 2023. Collection method: clinical testing. Allele origin: germline.
Comment: The p.D401E variant (also known as c.1203C>A), located in coding exon 12 of the PRKDC gene, results from a C to A substitution at nucleotide position 1203. The aspartic acid at codon 401 is replaced by glutamic acid, an amino acid with highly similar properties. This amino acid position is conserved. In addition, this alteration is predicted to be tolerated by in silico analysis. Based on the available evidence, the clinical significance of this variant remains unclear.